The following is an entry in ClinVar:

NM_006567.5(FARS2):c.1082C>T (p.Pro361Leu)

Gene: FARS2 (phenylalanyl-tRNA synthetase 2, mitochondrial; plus strand). Cytogenetic location: 6p25.1.
Variant type: single nucleotide variant.
Coding change: c.1082C>T on transcript NM_006567.5 (MANE Select); coding-DNA position 1082, C replaced by T.
Protein change: p.Pro361Leu; replaces proline 361 with leucine.
Molecular consequence: missense variant.
Genome position (GRCh38, 1-based): chr6:5,613,185, C>T. VCF-style: chr6-5613185-C-T. GRCh37 (hg19) VCF-style: chr6-5613418-C-T.
Other names: p.P361L:CCG>CTG; p.Pro361Leu; c.1082C>T, p.Pro361Leu (NM_001318872.2, NM_001374875.1, NM_001374876.1 and 4 more transcripts); c.950C>T, p.Pro317Leu (NM_001375258.1); c.386C>T, p.Pro129Leu (NM_001375259.1, NM_001375260.1); short protein forms P361L, P129L, P317L.
Identifiers: ClinVar variation 214335 (VCV000214335.69), dbSNP rs751459058, ClinGen allele CA325392.

ClinVar aggregate classification (germline): Pathogenic/Likely pathogenic. Review status: criteria provided, multiple submitters, no conflicts (2 of 4 stars). 18 submissions from 18 submitters: Pathogenic (8); Likely pathogenic (8). 2 of the submissions do not count toward it. Last evaluated 2025-10-17.

Conditions:
Combined oxidative phosphorylation defect type 14. Also called: Combined oxidative phosphorylation deficiency 14. Identifiers: Orphanet 319519, MedGen C4755312, MONDO:0013986, OMIM 614946.
FARS2-related disorder. Also called: FARS2-related condition; FARS2-related disorders.
Hereditary spastic paraplegia 77. Also called: Spastic paraplegia 77, autosomal recessive. Identifiers: Orphanet 466722, MedGen C5569007, MONDO:0014882, OMIM 617046.
Inborn genetic diseases. Identifiers: MedGen C0950123, MeSH D030342.

Allele frequency attached by ClinVar (database versions not stated): ExAC 0.00012; gnomAD exomes 0.00014 and 0.00023; gnomAD 0.00010 and 0.00011; TOPMed 0.00012.
gnomAD v4.1: 351 of 1,612,134 alleles (0.022%); highest among the groups gnomAD compares: Middle Eastern, 0.082%; no homozygotes.

Submissions (18):

Labcorp Genetics (formerly Invitae), Labcorp
Classification: Pathogenic for Combined oxidative phosphorylation defect type 14. Last evaluated: 2025-10-17. Review status: criteria provided, single submitter. Criteria: Invitae Variant Classification Sherloc (09022015). Collection method: clinical testing. Allele origin: germline.
Comment: This sequence change replaces proline, which is neutral and non-polar, with leucine, which is neutral and non-polar, at codon 361 of the FARS2 protein (p.Pro361Leu). This variant is present in population databases (rs751459058, gnomAD 0.04%). This missense change has been observed in individual(s) with clinical features of autosomal recessive FARS2-related conditions (PMID: 29126765, 32007496, 32989326). In at least one individual the data is consistent with being in trans (on the opposite chromosome) from a pathogenic variant. ClinVar contains an entry for this variant (Variation ID: 214335). Invitae Evidence Modeling of protein sequence and biophysical properties (such as structural, functional, and spatial information, amino acid conservation, physicochemical variation, residue mobility, and thermodynamic stability) indicates that this missense variant is expected to disrupt FARS2 protein function with a positive predictive value of 95%. For these reasons, this variant has been classified as Pathogenic.

Mayo Clinic Laboratories, Mayo Clinic
Classification: Pathogenic. Last evaluated: 2025-09-24. Review status: criteria provided, single submitter. Criteria: ACMG Guidelines, 2015. Collection method: clinical testing. Allele origin: germline. Observed: 2 variant alleles.
Comment: PP3_moderate, PM2_supporting, PM3_very_strong

First Genomix Gene Laboratory, Genetic Diagnostics Department
Classification: Pathogenic for Combined oxidative phosphorylation defect type 14; Hereditary spastic paraplegia 77. Last evaluated: 2025-09-15. Review status: criteria provided, single submitter. Criteria: ACMG Guidelines, 2015. Collection method: clinical testing. Allele origin: germline. Inheritance: Autosomal recessive inheritance. Affected: no. Observed: 1 variant allele.

GeneDx
Classification: Pathogenic. Last evaluated: 2025-09-03. Review status: criteria provided, single submitter. Criteria: GeneDx Variant Classification Process June 2021. Collection method: clinical testing. Allele origin: germline. Affected: yes.
Comment: In silico analysis supports that this missense variant has a deleterious effect on protein structure/function; This variant is associated with the following publications: (PMID: 30250868, 26553276, 29126765, 21234346, 31683770, 32007496, 34426522, 37541188, 36781956, 28043061, 32989326, 30177229, 37152989, 36603837, 35794642, 39342436, 38166857, 38360210)

CeGaT Center for Human Genetics Tuebingen
Classification: Likely pathogenic. Last evaluated: 2025-05-01. Review status: criteria provided, single submitter. Criteria: CeGaT Center For Human Genetics Tuebingen Variant Classification Criteria Version 2. Collection method: clinical testing. Allele origin: germline. Affected: yes. Observed: 2 variant alleles.
Comment: FARS2: PM3:Strong, PM2, PP4, PS3:Supporting

Department of Pathology and Laboratory Medicine, Sinai Health System
Classification: Pathogenic for Combined oxidative phosphorylation defect type 14; Hereditary spastic paraplegia 77. Last evaluated: 2023-05-26. Review status: criteria provided, single submitter. Criteria: ACMG Guidelines, 2015. Collection method: research. Allele origin: germline.

Ambry Genetics
Classification: Likely pathogenic for Inborn genetic diseases. Last evaluated: 2023-05-03. Review status: criteria provided, single submitter. Criteria: Ambry Variant Classification Scheme 2023. Collection method: clinical testing. Allele origin: germline.
Comment: The c.1082C>T (p.P361L) alteration is located in exon 6 (coding exon 5) of the FARS2 gene. This alteration results from a C to T substitution at nucleotide position 1082, causing the proline (P) at amino acid position 361 to be replaced by a leucine (L). This variant has been reported with a second FARS2 variant in several unrelated individuals with clinical features of mitochondrial phenylalanyl-tRNA synthetase deficiency (Ambry internal data; Meszarosova, 2020). This variant has been detected as a homozygous finding in an individual with hypotonic cerebral palsy, dysgenesis of the corpus callosum, colpocephaly, diminished periventricular white matter volume, periventricular leukomalacia, and intellectual disability (Jin, 2020). This amino acid position is highly conserved in available vertebrate species. This alteration is predicted to be deleterious by in silico analysis. Based on the available evidence, this alteration is classified as likely pathogenic.

Neurometabolic Diseases Laboratory, Bellvitge Biomedical Research Institute (IDIBELL)
Classification: Pathogenic for Combined oxidative phosphorylation defect type 14. Last evaluated: 2023-04-27. Review status: criteria provided, single submitter. Criteria: ACMG Guidelines, 2015. Collection method: research. Allele origin: germline. Affected: yes.

Center for Personalized Medicine, Children's Hospital Los Angeles
Classification: Likely pathogenic. Last evaluated: 2022-12-21. Review status: criteria provided, single submitter. Criteria: ACMG Guidelines, 2015. Collection method: clinical testing. Allele origin: inherited. Affected: yes.

3billion
Classification: Likely pathogenic for Hereditary spastic paraplegia 77. Last evaluated: 2022-09-01. Review status: criteria provided, single submitter. Criteria: ACMG Guidelines, 2015. Collection method: clinical testing. Allele origin: germline. Affected: yes. Observed: 1 heterozygote.
Comment: The variant is observed at an extremely low frequency in the gnomAD v2.1.1 dataset (total allele frequency: 0.013%). Missense changes are a common disease-causing mechanism. In silico tool predictions suggest damaging effect of the variant on gene or gene product (REVEL: 0.88; 3Cnet: 1.00). Same nucleotide change resulting in same amino acid change has been previously reported as pathogenic/likely pathogenic with strong evidence (ClinVar ID: VCV000214335). Therefore, this variant is classified as Likely pathogenic according to the recommendation of ACMG/AMP guideline.

Genetic Services Laboratory, University of Chicago
Classification: Likely pathogenic. Last evaluated: 2020-08-05. Review status: criteria provided, single submitter. Criteria: ACMG Guidelines, 2015. Collection method: clinical testing. Allele origin: germline. Affected: yes.
Comment: The sequence change, c.1082C>T, in exon 6 results in an amino acid change, p.Pro361Leu. The p.Pro361Leu change affects a highly conserved amino acid residue located in an anticodon binding domain of the FARS2 protein that is known to be functional. The p.Pro361Leu substitution appears to be deleterious using several in-silico pathogenicity prediction tools (SIFT, PolyPhen2, REVEL). This particular amino acid change has been described in the compound heterozygous state in two unrelated patients with FARS2 deficiency with spastic paraplegia phenotype (PMID: 29126765). Functional studies using the fibroblasts from these individuals showed a decreased amount of Phe-charged tRNA and a decrease in mitochondrial protein synthesis rate, which affected the assembly of OXPHOS complexes (PMID: 29126765). This sequence change has been described in the gnomAD database with an overall low population frequency of 0.013%(dbSNP rs751459058).

Wong Mito Lab, Molecular and Human Genetics, Baylor College of Medicine
Classification: Likely pathogenic for Combined oxidative phosphorylation deficiency 14. Last evaluated: 2018-06-13. Review status: criteria provided, single submitter. Criteria: ACMG Guidelines, 2015. Collection method: clinical testing. Allele origin: germline. Affected: yes.

Institute of Human Genetics Munich, TUM University Hospital
Classification: Pathogenic for Combined oxidative phosphorylation defect type 14. Last evaluated: 2017-11-16. Review status: criteria provided, single submitter. Criteria: Classification criteria August 2017. Collection method: clinical testing. Allele origin: maternal. Inheritance: Autosomal recessive inheritance. Affected: yes. Observed: 1 compound heterozygote.

Baylor Genetics
Classification: Pathogenic for Hereditary spastic paraplegia 77. Review status: criteria provided, single submitter. Criteria: ACMG Guidelines, 2015. Collection method: clinical testing. Allele origin: unknown.

Clinical Genetics Service, Universitary Hospital 12 de Octubre
Classification: Likely pathogenic for Hereditary spastic paraplegia 77. Review status: criteria provided, single submitter. Criteria: ACMG Guidelines, 2015. Collection method: clinical testing. Allele origin: maternal. Affected: yes.

Juno Genomics, Hangzhou Juno Genomics, Inc
Classification: Likely pathogenic for Hereditary spastic paraplegia 77; Combined oxidative phosphorylation defect type 14. Review status: criteria provided, single submitter. Criteria: ACMG Guidelines, 2015. Collection method: clinical testing. Allele origin: germline.
Comment: Absent from controls (or at extremely low frequency if recessive) in Genome Aggregation Database.;Well-established in vitro or in vivo functional studies supportive of a damaging effect on the gene or gene product.;For recessive disorders, detected in trans with a pathogenic variant.;Patient's phenotype or family history is highly specific for a disease with a single genetic etiology.

PreventionGenetics, part of Exact Sciences
Classification: Likely pathogenic for FARS2-related condition. Last evaluated: 2024-09-16. Review status: no assertion criteria provided. Collection method: clinical testing. Allele origin: germline. Not counted in ClinVar's aggregate classification.
Comment: The FARS2 c.1082C>T variant is predicted to result in the amino acid substitution p.Pro361Leu. This variant has been reported in the compound heterozygous or homozygous state in patients with spastic paraplegia (Vantroys et al. 2017. PubMed ID: 29126765; Meszarosova et al. 2020. PubMed ID: 32007496; Jin et al. 2020. PubMed ID: 32989326, Supplementary Table 7), as well as combined oxidative phosphorylation deficiency 14 (Bravo-Alonso et al. 2019. PubMed ID: 31683770). This variant has been classified as pathogenic or likely pathogenic by multiple independent submitters to ClinVar. This variant is reported in 0.040% of alleles in individuals of Latino descent in gnomAD. Based on the collective information, this variant is interpreted as likely pathogenic.

OMIM
Classification: Pathogenic for SPASTIC PARAPLEGIA 77, AUTOSOMAL RECESSIVE. Last evaluated: 2018-01-30. Review status: no assertion criteria provided. Collection method: literature only. Allele origin: germline. Not counted in ClinVar's aggregate classification.

Literature cited by the submitters: PubMed 29126765 (cited by 5 submitters); PubMed 32007496 (cited by 3 submitters); PubMed 32989326 (cited by 3 submitters); PubMed 30177229 (cited by Mayo Clinic Laboratories, Mayo Clinic); PubMed 30250868 (cited by Mayo Clinic Laboratories, Mayo Clinic); PubMed 31683770 (cited by Mayo Clinic Laboratories, Mayo Clinic); PubMed 33528536 (cited by Mayo Clinic Laboratories, Mayo Clinic); PubMed 36781956 (cited by Mayo Clinic Laboratories, Mayo Clinic); PubMed 37152989 (cited by Mayo Clinic Laboratories, Mayo Clinic); PubMed 37541188 (cited by Mayo Clinic Laboratories, Mayo Clinic); PubMed 38360210 (cited by Mayo Clinic Laboratories, Mayo Clinic); PubMed 39342436 (cited by Mayo Clinic Laboratories, Mayo Clinic).